The following is an entry in ClinVar:

NM_001048174.2(MUTYH):c.385C>T (p.Pro129Ser)

Gene: MUTYH (mutY DNA glycosylase; minus strand). Cytogenetic location: 1p34.1.
Variant type: single nucleotide variant.
Coding change: c.385C>T on transcript NM_001048174.2 (MANE Select); coding-DNA position 385, C replaced by T.
Protein change: p.Pro129Ser; replaces proline 129 with serine.
Molecular consequence: missense variant. On other transcripts: non-coding transcript variant (2).
Genome position (GRCh38, 1-based): chr1:45,332,953, G>A on the plus strand (C>T on the coding strand, the complement: MUTYH is on the minus strand). VCF-style: chr1-45332953-G-A. GRCh37 (hg19) VCF-style: chr1-45798625-G-A.
Other names: c.385C>T, p.Pro129Ser (NM_001048171.2, NM_001048173.2, NM_001293195.2); c.388C>T, p.Pro130Ser (NM_001048172.2); c.469C>T, p.Pro157Ser (NM_001128425.2); c.430C>T, p.Pro144Ser (NM_001293190.2); c.418C>T, p.Pro140Ser (NM_001293191.2); c.109C>T, p.Pro37Ser (NM_001293192.2, NM_001293196.2); c.40C>T, p.Pro14Ser (NM_001350650.2, NM_001350651.2); c.460C>T, p.Pro154Ser (NM_012222.3); short protein forms P157S, P129S, P144S, P14S, P37S, P130S, P140S, P154S.
Identifiers: ClinVar variation 428281 (VCV000428281.13), dbSNP rs1114167684, ClinGen allele CA340136006.

ClinVar aggregate classification (germline): Conflicting classifications of pathogenicity. Review status: criteria provided, conflicting classifications (1 of 4 stars). 2 submissions from 2 submitters: Uncertain significance (1); Likely benign (1). Last evaluated 2025-09-12.

Conditions:
Hereditary cancer-predisposing syndrome. Also called: Tumor predisposition; Hereditary Cancer Syndrome; Hereditary neoplastic syndrome; Neoplastic Syndromes, Hereditary. Identifiers: Orphanet 140162, MedGen C0027672, MeSH D009386, MONDO:0015356.
Familial adenomatous polyposis 2. Also called: COLORECTAL ADENOMATOUS POLYPOSIS, AUTOSOMAL RECESSIVE; MUTYH Polyposis; MUTYH-associated polyposis; MUTYH-related attenuated familial adenomatous polyposis; Adenomas, multiple colorectal; ADENOMAS, MULTIPLE COLORECTAL, AUTOSOMAL RECESSIVE. Identifiers: Orphanet 220460, Orphanet 247798, MedGen C3272841, MONDO:0012041, OMIM 608456.

gnomAD v4.1: 1 of 1,614,054 alleles (0.000062%); highest among the groups gnomAD compares: Non-Finnish European, 0.000085%; no homozygotes.

Submissions (2):

Ambry Genetics
Classification: Likely benign for Hereditary cancer-predisposing syndrome. Last evaluated: 2025-09-12. Review status: criteria provided, single submitter. Criteria: Ambry Variant Classification Scheme 2023. Collection method: clinical testing. Allele origin: germline.

Labcorp Genetics (formerly Invitae), Labcorp
Classification: Uncertain significance for Familial adenomatous polyposis 2. Last evaluated: 2023-07-17. Review status: criteria provided, single submitter. Criteria: Invitae Variant Classification Sherloc (09022015). Collection method: clinical testing. Allele origin: germline.
Comment: In summary, the available evidence is currently insufficient to determine the role of this variant in disease. Therefore, it has been classified as a Variant of Uncertain Significance. This variant disrupts the p.Pro157 amino acid residue in MUTYH. Other variant(s) that disrupt this residue have been determined to be pathogenic (PMID: 19394335, 25820570, 27829682; Invitae). This suggests that this residue is clinically significant, and that variants that disrupt this residue are likely to be disease-causing. An algorithm developed to predict the effect of missense changes on protein structure and function (PolyPhen-2) suggests that this variant is likely to be disruptive. ClinVar contains an entry for this variant (Variation ID: 428281). This variant has not been reported in the literature in individuals affected with MUTYH-related conditions. This variant is not present in population databases (gnomAD no frequency). This sequence change replaces proline, which is neutral and non-polar, with serine, which is neutral and polar, at codon 157 of the MUTYH protein (p.Pro157Ser).

Literature cited by the submitters: PubMed 19394335 (cited by Labcorp Genetics (formerly Invitae), Labcorp); PubMed 25820570 (cited by Labcorp Genetics (formerly Invitae), Labcorp); PubMed 27829682 (cited by Labcorp Genetics (formerly Invitae), Labcorp).